The following is an entry in ClinVar:

NM_003466.4(PAX8):c.14C>T (p.Ser5Phe)

Gene: PAX8 (paired box 8; minus strand). Cytogenetic location: 2q14.1.
Variant type: single nucleotide variant.
Coding change: c.14C>T on transcript NM_003466.4 (MANE Select); coding-DNA position 14, C replaced by T.
Protein change: p.Ser5Phe; replaces serine 5 with phenylalanine.
Molecular consequence: missense variant.
Genome position (GRCh38, 1-based): chr2:113,278,381, G>A on the plus strand (C>T on the coding strand, the complement: PAX8 is on the minus strand). VCF-style: chr2-113278381-G-A. GRCh37 (hg19) VCF-style: chr2-114035958-G-A.
Other names: c.14C>T, p.Ser5Phe (NM_013952.4, NM_013953.4, NM_013992.4); short protein forms S5F.
Identifiers: ClinVar variation 5036987 (VCV005036987.1).

ClinVar aggregate classification (germline): Uncertain significance (1 of 4 stars; one submission).

gnomAD v4.1: 1 of 1,609,038 alleles (0.000062%); highest among the groups gnomAD compares: East Asian, 0.0022%; no homozygotes.

Submission:

GeneDx
Classification: Uncertain significance. Last evaluated: 2026-04-15. Review status: criteria provided, single submitter. Criteria: GeneDx Variant Classification Process June 2021. Collection method: clinical testing. Allele origin: germline.
Comment: Not observed at significant frequency in large population cohorts (gnomAD); In silico analysis supports that this missense variant has a deleterious effect on protein structure/function; Has not been previously published as pathogenic or benign to our knowledge